The following is an entry in ClinVar:

ClinVar aggregate classification (germline): Pathogenic (1 of 4 stars; one submission).

Conditions:
Marfan syndrome (MFS). Also called: Marfan's syndrome; MARFAN SYNDROME, TYPE I; Marfan syndrome type 1; Marfan syndrome, classic; FBN1-Related Marfan Syndrome. Identifiers: Orphanet 284963, Orphanet 558, MedGen C0024796, MONDO:0007947, OMIM 154700.

Submission:

Department of Traditional Chinese Medicine, Fujian Provincial Hospital
Classification: Pathogenic for Marfan syndrome. Last evaluated: 2026-08-18. Review status: criteria provided, single submitter. Criteria: ACMG Guidelines, 2015. Collection method: research. Allele origin: germline. Inheritance: Autosomal dominant inheritance. Affected: yes. Observed: 1 variant allele, 1 heterozygote.
Comment: This variant is an initiator loss variant, supporting the PVS1 evidence according to ACMG guidelines. We constructed overexpression vectors containing the FBN1 start codon and flanking sequences (total 800 bp) and transfected wild-type and mutant (c.3G>C) constructs separately. RT-qPCR results showed no significant difference in mRNA transcription levels between the mutant and wild-type; however, Western blot analysis revealed that the protein expression level of the mutant was significantly reduced compared to that of the wild-type. This indicates that the mutation affects protein translation efficiency and supports the absence of functional downstream alternative start sites in the FBN1 gene, fulfilling PS3 evidence. According to the gnomAD data in the Franklin by QIAGEN database, this variant has not been observed in either the gnomAD exome or whole-genome datasets, with an overall allele frequency of 0%, suggesting that the variant is extremely rare in the population and supporting PM2 evidence. Based on the above evidence, the variant is classified as pathogenic.

Literature cited by the submitters: PubMed 17701892.

NM_000138.5(FBN1):c.3G>C (p.Met1Ile)

Gene: FBN1 (fibrillin 1; minus strand). Cytogenetic location: 15q21.1.
Variant type: single nucleotide variant.
Coding change: c.3G>C on transcript NM_000138.5 (MANE Select); coding-DNA position 3, G replaced by C.
Protein change: p.Met1Ile; changes the start codon (methionine 1).
Molecular consequence: missense variant, initiator codon variant.
Genome position (GRCh38, 1-based): chr15:48,644,767, C>G on the plus strand (G>C on the coding strand, the complement: FBN1 is on the minus strand). VCF-style: chr15-48644767-C-G. GRCh37 (hg19) VCF-style: chr15-48936964-C-G.
Other names: c.3G>C, p.Met1Ile (NM_001406716.1, NM_001406717.1, NM_001406718.1); short protein forms M1I.
Identifiers: ClinVar variation 4884881 (VCV004884881.1).
Genomic context (GRCh38, chr15:48,644,767, plus strand): 5'-CGTGTAGGACGCTAAAAGCACGGTAAATCCCAGGGCGATCTCCAGCAGACGCCCTCGACG[C>G]ATGATGCCGAGCCGCCACCGGCTCCCGCCGCCTCTTGCCGCGCCCGGGGCTCGGTCTGCG-3'
Protein context (NP_000129.3, residues 1-11): [Met1Ile]RRGRLLEIAL